The following is an entry in ClinVar:

NM_001385.3(DPYS):c.1443+5G>A

Gene: DPYS (dihydropyrimidinase; minus strand). Cytogenetic location: 8q22.3.
Variant type: single nucleotide variant.
Coding change: c.1443+5G>A on transcript NM_001385.3 (MANE Select); 5 bases into the intron after coding-DNA position 1443, G replaced by A.
Molecular consequence: intron variant.
Genome position (GRCh38, 1-based): chr8:104,392,779, C>T on the plus strand (G>A on the coding strand, the complement: DPYS is on the minus strand). VCF-style: chr8-104392779-C-T. GRCh37 (hg19) VCF-style: chr8-105405007-C-T.
Identifiers: ClinVar variation 5007260 (VCV005007260.2).

ClinVar aggregate classification (germline): Pathogenic (1 of 4 stars; one submission).

Conditions:
Dihydropyrimidinase deficiency (DPYSD). Also called: dihydropyrimidinuria; DPH DEFICIENCY; DPYS DEFICIENCY. Identifiers: Orphanet 38874, MedGen C0342803, MONDO:0009111, OMIM 222748.

gnomAD v4.1: 5 of 1,614,054 alleles (0.00031%); highest among the groups gnomAD compares: East Asian, 0.0067%; no homozygotes.

Submission:

Juno Genomics, Hangzhou Juno Genomics, Inc
Classification: Pathogenic for Dihydropyrimidinase deficiency. Review status: criteria provided, single submitter. Criteria: ACMG Guidelines, 2015. Collection method: clinical testing. Allele origin: germline.
Comment: Absent from controls (or at extremely low frequency if recessive) in Genome Aggregation Database.;Null variant in a gene where loss of function (LOF) is a known mechanism of disease.;For recessive disorders, detected in trans with a pathogenic variant.